The following is an entry in ClinVar:

ClinVar aggregate classification (germline): Uncertain significance. Review status: criteria provided, multiple submitters, no conflicts (2 of 4 stars). 2 submissions from 2 submitters: Uncertain significance (2). Last evaluated 2025-03-28.

Conditions:
Hereditary hyperekplexia. Identifiers: Orphanet 3197, MedGen C4084968, MONDO:0021022.

Allele frequency attached by ClinVar (database versions not stated): gnomAD exomes below 0.00001 and 0.00001; ExAC 0.00001; TOPMed 0.00002; gnomAD 0.00003.
gnomAD v4.1: 5 of 1,613,930 alleles (0.00031%); highest among the groups gnomAD compares: African/African-American, 0.0067%; no homozygotes.

Submissions (2):

GeneDx
Classification: Uncertain significance. Last evaluated: 2025-03-28. Review status: criteria provided, single submitter. Criteria: GeneDx Variant Classification Process June 2021. Collection method: clinical testing. Allele origin: germline. Affected: yes.
Comment: In silico analysis indicates that this missense variant does not alter protein structure/function; Has not been previously published as pathogenic or benign to our knowledge

Labcorp Genetics (formerly Invitae), Labcorp
Classification: Uncertain significance for Hereditary hyperekplexia. Last evaluated: 2024-10-24. Review status: criteria provided, single submitter. Criteria: Invitae Variant Classification Sherloc (09022015). Collection method: clinical testing. Allele origin: germline.
Comment: This sequence change replaces lysine, which is basic and polar, with arginine, which is basic and polar, at codon 353 of the GLRA1 protein (p.Lys353Arg). This variant is present in population databases (rs764794082, gnomAD 0.01%). This missense change has been observed in individual(s) with clinical features of autosomal recessive hyperekplexia (internal data). In at least one individual the data is consistent with being in trans (on the opposite chromosome) from a pathogenic variant. ClinVar contains an entry for this variant (Variation ID: 566373). An algorithm developed to predict the effect of missense changes on protein structure and function (PolyPhen-2) suggests that this variant is likely to be tolerated. In summary, the available evidence is currently insufficient to determine the role of this variant in disease. Therefore, it has been classified as a Variant of Uncertain Significance.

NM_000171.4(GLRA1):c.1058A>G (p.Lys353Arg)

Gene: GLRA1 (glycine receptor alpha 1; minus strand). Cytogenetic location: 5q33.1.
Variant type: single nucleotide variant.
Coding change: c.1058A>G on transcript NM_000171.4 (MANE Select); coding-DNA position 1058, A replaced by G.
Protein change: p.Lys353Arg; replaces lysine 353 with arginine.
Molecular consequence: missense variant.
Genome position (GRCh38, 1-based): chr5:151,828,922, T>C on the plus strand (A>G on the coding strand, the complement: GLRA1 is on the minus strand). VCF-style: chr5-151828922-T-C. GRCh37 (hg19) VCF-style: chr5-151208483-T-C.
Other names: c.1058A>G, p.Lys353Arg (NM_001146040.2); c.809A>G, p.Lys270Arg (NM_001292000.2); short protein forms K353R, K270R.
Identifiers: ClinVar variation 566373 (VCV000566373.12), dbSNP rs764794082, ClinGen allele CA3523545.